The following is an entry in ClinVar:

NM_001384140.1(PCDH15):c.626T>C (p.Met209Thr)

Gene: PCDH15 (protocadherin related 15; minus strand). Cytogenetic location: 10q21.1.
Variant type: single nucleotide variant.
Coding change: c.626T>C on transcript NM_001384140.1 (MANE Select); coding-DNA position 626, T replaced by C.
Protein change: p.Met209Thr; replaces methionine 209 with threonine.
Molecular consequence: missense variant. On other transcripts: intron variant (1).
Genome position (GRCh38, 1-based): chr10:54,329,675, A>G on the plus strand (T>C on the coding strand, the complement: PCDH15 is on the minus strand). VCF-style: chr10-54329675-A-G. GRCh37 (hg19) VCF-style: chr10-56089435-A-G.
Other names: c.641T>C, p.Met214Thr (NM_001142763.2, NM_001142769.4, NM_001142771.2); c.626T>C, p.Met209Thr (NM_001142764.2, NM_001142765.2, NM_001142766.2 and 7 more transcripts); c.560T>C, p.Met187Thr (NM_001142768.2, NM_001142773.2, NM_001354404.2); c.595-12234T>C (NM_001142767.2); short protein forms M209T, M214T, M187T.
Identifiers: ClinVar variation 2145963 (VCV002145963.4), dbSNP rs1939015612, ClinGen allele CA376541287.

ClinVar aggregate classification (germline): Uncertain significance. Review status: criteria provided, multiple submitters, no conflicts (2 of 4 stars). 3 submissions from 3 submitters: Uncertain significance (3). Last evaluated 2024-03-26.

Conditions:
Inborn genetic diseases. Identifiers: MedGen C0950123, MeSH D030342.

Allele frequency attached by ClinVar (database versions not stated): TOPMed 0.00001.
gnomAD v4.1: 6 of 1,606,698 alleles (0.00037%); highest among the groups gnomAD compares: Middle Eastern, 0.017%; no homozygotes.

Submissions (3):

Blueprint Genetics
Classification: Uncertain significance. Last evaluated: 2024-03-26. Review status: criteria provided, single submitter. Criteria: ACMG Guidelines, 2015. Collection method: clinical testing. Allele origin: germline.

Ambry Genetics
Classification: Uncertain significance for Inborn genetic diseases. Last evaluated: 2023-05-17. Review status: criteria provided, single submitter. Criteria: Ambry Variant Classification Scheme 2023. Collection method: clinical testing. Allele origin: germline.

Labcorp Genetics (formerly Invitae), Labcorp
Classification: Uncertain significance. Last evaluated: 2022-02-24. Review status: criteria provided, single submitter. Criteria: Invitae Variant Classification Sherloc (09022015). Collection method: clinical testing. Allele origin: germline.
Comment: This sequence change replaces methionine, which is neutral and non-polar, with threonine, which is neutral and polar, at codon 209 of the PCDH15 protein (p.Met209Thr). This variant is not present in population databases (gnomAD no frequency). This variant has not been reported in the literature in individuals affected with PCDH15-related conditions. Algorithms developed to predict the effect of missense changes on protein structure and function output the following: SIFT: "Tolerated"; PolyPhen-2: "Benign"; Align-GVGD: "Class C0". The threonine amino acid residue is found in multiple mammalian species, which suggests that this missense change does not adversely affect protein function. In summary, the available evidence is currently insufficient to determine the role of this variant in disease. Therefore, it has been classified as a Variant of Uncertain Significance.